The following is an entry in ClinVar:

NM_173689.7(CRB2):c.1267G>A (p.Val423Ile)

Gene: CRB2 (crumbs cell polarity complex component 2; plus strand). Cytogenetic location: 9q33.3.
Variant type: single nucleotide variant.
Coding change: c.1267G>A on transcript NM_173689.7 (MANE Select); coding-DNA position 1267, G replaced by A.
Protein change: p.Val423Ile; replaces valine 423 with isoleucine.
Molecular consequence: missense variant. On other transcripts: non-coding transcript variant (1).
Genome position (GRCh38, 1-based): chr9:123,370,320, G>A. VCF-style: chr9-123370320-G-A. GRCh37 (hg19) VCF-style: chr9-126132599-G-A.
Other names: short protein forms V423I.
Identifiers: ClinVar variation 1986908 (VCV001986908.2), dbSNP rs775167408, ClinGen allele CA5231939.

ClinVar aggregate classification (germline): Uncertain significance (1 of 4 stars; one submission).

Allele frequency attached by ClinVar (database versions not stated): TOPMed 0.00009.
gnomAD v4.1: 88 of 1,613,488 alleles (0.0055%); highest among the groups gnomAD compares: Non-Finnish European, 0.0066%; no homozygotes.

Submission:

Labcorp Genetics (formerly Invitae), Labcorp
Classification: Uncertain significance. Last evaluated: 2022-01-17. Review status: criteria provided, single submitter. Criteria: Invitae Variant Classification Sherloc (09022015). Collection method: clinical testing. Allele origin: germline.
Comment: In summary, the available evidence is currently insufficient to determine the role of this variant in disease. Therefore, it has been classified as a Variant of Uncertain Significance. Advanced modeling of protein sequence and biophysical properties (such as structural, functional, and spatial information, amino acid conservation, physicochemical variation, residue mobility, and thermodynamic stability) performed at Invitae indicates that this missense variant is not expected to disrupt CRB2 protein function. This variant has not been reported in the literature in individuals affected with CRB2-related conditions. This variant is present in population databases (rs775167408, gnomAD 0.006%). This sequence change replaces valine, which is neutral and non-polar, with isoleucine, which is neutral and non-polar, at codon 423 of the CRB2 protein (p.Val423Ile).